The following is an entry in ClinVar:

ClinVar aggregate classification (germline): Uncertain significance (1 of 4 stars; one submission).

Conditions:
ELMOD3-related disorder. Also called: ELMOD3-related condition.

gnomAD v4.1: 14 of 1,551,520 alleles (0.0009%); highest among the groups gnomAD compares: African/African-American, 0.016%; no homozygotes.

Submission:

PreventionGenetics, part of Exact Sciences
Classification: Uncertain significance for ELMOD3-related condition. Last evaluated: 2026-08-03. Review status: criteria provided, single submitter. Criteria: ACMG Guidelines, 2015. Collection method: clinical testing. Allele origin: germline.
Comment: The ELMOD3 c.1012G>A variant is predicted to result in the amino acid substitution p.Val338Met. To our knowledge, this variant has not been reported in the literature. This variant is reported in 0.024% of alleles in individuals of African descent in gnomAD. At this time, the clinical significance of this variant is uncertain due to the absence of conclusive functional and genetic evidence.

NM_001135022.2(ELMOD3):c.1012G>A (p.Val338Met)

Gene: ELMOD3 (ELMO domain containing 3; plus strand). Cytogenetic location: 2p11.2.
Variant type: single nucleotide variant.
Coding change: c.1012G>A on transcript NM_001135022.2 (MANE Select); coding-DNA position 1012, G replaced by A.
Protein change: p.Val338Met; replaces valine 338 with methionine.
Molecular consequence: missense variant. On other transcripts: 3 prime UTR variant (1), non-coding transcript variant (3).
Genome position (GRCh38, 1-based): chr2:85,390,828, G>A. VCF-style: chr2-85390828-G-A. GRCh37 (hg19) VCF-style: chr2-85617951-G-A.
Other names: c.1012G>A, p.Val338Met (NM_001135021.2, NM_001135023.2, NM_001329791.2 and 2 more transcripts); c.*330G>A (NM_032213.5); short protein forms V338M.
Identifiers: ClinVar variation 4983881 (VCV004983881.1).